The following is an entry in ClinVar:

NM_002618.4(PEX13):c.759_760del (p.Leu254fs)

Gene: PEX13 (peroxisomal biogenesis factor 13; plus strand). Cytogenetic location: 2p15.
Variant type: Deletion.
Coding change: c.759_760del on transcript NM_002618.4 (MANE Select); coding-DNA positions 759 to 760, 2 bases deleted (AT; older notation c.759_760delAT).
Protein change: p.Leu254fs; shifts the reading frame from leucine 254.
Molecular consequence: frameshift variant.
Genome position (GRCh38, 1-based): chr2:61,032,085-61,032,086, AT deleted; deleting any 2 consecutive bases within chr2:61,032,084-61,032,086 gives the same sequence; the c. name uses the placement nearest the transcript's 3' end. VCF-style (leftmost placement, unchanged base first): chr2-61032083-CTA-C. GRCh37 (hg19) VCF-style: chr2-61259218-CTA-C.
Other names: short protein forms L254fs.
Identifiers: ClinVar variation 2109668 (VCV002109668.4), dbSNP rs2467508700, ClinGen allele CA2576977551.
Genomic context (GRCh38, chr2:61,032,083, plus strand): 5'-TCTTGGCCAATATTCTTGTTCTTTGCTGTTATCCTTGGTGGTCCTTACCTCATTTGGAAA[CTA>C]TTGTCTACTCACAGTGATGAAGTAACAGGTAAGAGAACTGTAAGGGAACAGGTTCAGATA-3'

ClinVar aggregate classification (germline): Pathogenic (1 of 4 stars; one submission).

Conditions:
Peroxisome biogenesis disorder 11A (Zellweger). Also called: Peroxisome biogenesis disorder 11A. Identifiers: Orphanet 912, MedGen C3554000, MONDO:0013949, OMIM 614883.

Submission:

Labcorp Genetics (formerly Invitae), Labcorp
Classification: Pathogenic for Peroxisome biogenesis disorder 11A (Zellweger). Last evaluated: 2022-09-15. Review status: criteria provided, single submitter. Criteria: Invitae Variant Classification Sherloc (09022015). Collection method: clinical testing. Allele origin: germline.
Comment: This sequence change creates a premature translational stop signal (p.Leu254Valfs*5) in the PEX13 gene. It is expected to result in an absent or disrupted protein product. Loss-of-function variants in PEX13 are known to be pathogenic (PMID: 10332040, 21031596). This variant is not present in population databases (gnomAD no frequency). This variant has not been reported in the literature in individuals affected with PEX13-related conditions. For these reasons, this variant has been classified as Pathogenic.

Literature cited by the submitters: PubMed 10332040; PubMed 21031596.